The following is an entry in ClinVar:

NM_001164508.2(NEB):c.17536-3T>C

Gene: NEB (nebulin; minus strand). Cytogenetic location: 2q23.3.
Variant type: single nucleotide variant.
Coding change: c.17536-3T>C on transcript NM_001164508.2 (MANE Select); 3 bases into the intron before coding-DNA position 17536, T replaced by C.
Molecular consequence: intron variant.
Genome position (GRCh38, 1-based): chr2:151,568,719, A>G on the plus strand (T>C on the coding strand, the complement: NEB is on the minus strand). VCF-style: chr2-151568719-A-G. GRCh37 (hg19) VCF-style: chr2-152425233-A-G.
Other names: c.12433-3T>C (NM_004543.5); c.17536-3T>C (NM_001164507.2, NM_001271208.2).
Identifiers: ClinVar variation 2055306 (VCV002055306.1), dbSNP rs112989597, ClinGen allele CA1908182.
Genomic context (GRCh38, chr2:151,568,719, plus strand): 5'-CAACTCTGTCATCCACAGGCGTAAAGTTGAGAGTTTCTATTTTTGTGCGATATTTTTTCT[A>G]TGGGAAAGAAAGCATCTTTTAGATAGTTGTAATTCCTAGACATGTGTGAACTGAGAAGAT-3'

ClinVar aggregate classification (germline): Uncertain significance (1 of 4 stars; one submission).

Conditions:
Nemaline myopathy 2 (NEM2). Also called: Nemaline myopathy 2, autosomal recessive. Identifiers: MedGen C1850569, MONDO:0009725, OMIM 256030.

Allele frequency attached by ClinVar (database versions not stated): gnomAD 0.00001; gnomAD exomes 0.00001; TOPMed 0.00001; ExAC 0.00002; 1000 Genomes Project 30x 0.00016; 1000 Genomes Project 0.00020.
gnomAD v4.1: 9 of 1,575,180 alleles (0.00057%); highest among the groups gnomAD compares: African/African-American, 0.0054%; no homozygotes.

Submission:

Labcorp Genetics (formerly Invitae), Labcorp
Classification: Uncertain significance for Nemaline myopathy 2. Last evaluated: 2022-04-19. Review status: criteria provided, single submitter. Criteria: Invitae Variant Classification Sherloc (09022015). Collection method: clinical testing. Allele origin: germline.
Comment: This sequence change falls in intron 110 of the NEB gene. It does not directly change the encoded amino acid sequence of the NEB protein. It affects a nucleotide within the consensus splice site. This variant is present in population databases (rs112989597, gnomAD 0.008%). This variant has not been reported in the literature in individuals affected with NEB-related conditions. Variants that disrupt the consensus splice site are a relatively common cause of aberrant splicing (PMID: 17576681, 9536098). Algorithms developed to predict the effect of sequence changes on RNA splicing suggest that this variant is not likely to affect RNA splicing. In summary, the available evidence is currently insufficient to determine the role of this variant in disease. Therefore, it has been classified as a Variant of Uncertain Significance.

Literature cited by the submitters: PubMed 17576681; PubMed 9536098.